The following is an entry in ClinVar:

NM_001378454.1(ALMS1):c.4057C>T (p.Pro1353Ser)

Gene: ALMS1 (ALMS1 centrosome and basal body associated protein; plus strand). Cytogenetic location: 2p13.1.
Variant type: single nucleotide variant.
Coding change: c.4057C>T on transcript NM_001378454.1 (MANE Select); coding-DNA position 4057, C replaced by T.
Protein change: p.Pro1353Ser; replaces proline 1353 with serine.
Molecular consequence: missense variant.
Genome position (GRCh38, 1-based): chr2:73,450,584, C>T. VCF-style: chr2-73450584-C-T. GRCh37 (hg19) VCF-style: chr2-73677711-C-T.
Other names: c.4060C>T, p.Pro1354Ser (NM_015120.4); short protein forms P1354S, P1353S.
Identifiers: ClinVar variation 862116 (VCV000862116.7), dbSNP rs1005994594, ClinGen allele CA347277374.

ClinVar aggregate classification (germline): Uncertain significance (1 of 4 stars; one submission).

Conditions:
Alstrom syndrome (ALMS). Identifiers: Orphanet 64, MedGen C0268425, MONDO:0008763, OMIM 203800.

gnomAD v4.1: 9 of 1,612,112 alleles (0.00056%); highest among the groups gnomAD compares: South Asian, 0.0099%; no homozygotes.

Submission:

Labcorp Genetics (formerly Invitae), Labcorp
Classification: Uncertain significance for Alstrom syndrome. Last evaluated: 2021-12-01. Review status: criteria provided, single submitter. Criteria: Invitae Variant Classification Sherloc (09022015). Collection method: clinical testing. Allele origin: germline.
Comment: In summary, the available evidence is currently insufficient to determine the role of this variant in disease. Therefore, it has been classified as a Variant of Uncertain Significance. ClinVar contains an entry for this variant (Variation ID: 862116). This variant has not been reported in the literature in individuals affected with ALMS1-related conditions. This variant is present in population databases (no rsID available, gnomAD 0.006%). This sequence change replaces proline, which is neutral and non-polar, with serine, which is neutral and polar, at codon 1354 of the ALMS1 protein (p.Pro1354Ser).